The following is an entry in ClinVar:

ClinVar aggregate classification (germline): Uncertain significance. Review status: criteria provided, multiple submitters, no conflicts (2 of 4 stars). 6 submissions from 6 submitters: Uncertain significance (6). Last evaluated 2025-10-14.

Conditions:
Familial cancer of breast. Also called: BREAST CANCER, FAMILIAL; hereditary breast carcinoma; Hereditary breast cancer. Identifiers: Orphanet 227535, MedGen C0346153, MONDO:0016419, OMIM 114480. Disease mechanism: loss of function.
Hereditary diffuse gastric adenocarcinoma (HDGC). Also called: DIFFUSE GASTRIC AND LOBULAR BREAST CANCER SYNDROME. Identifiers: Orphanet 26106, MedGen C1708349, MONDO:0007648, OMIM 137215.
Hereditary cancer-predisposing syndrome. Also called: Tumor predisposition; Hereditary neoplastic syndrome; Neoplastic Syndromes, Hereditary; Hereditary Cancer Syndrome. Identifiers: Orphanet 140162, MedGen C0027672, MeSH D009386, MONDO:0015356.

Allele frequency attached by ClinVar (database versions not stated): gnomAD exomes below 0.00001; TOPMed below 0.00001.
gnomAD v4.1: 3 of 1,614,136 alleles (0.00019%); highest among the groups gnomAD compares: African/African-American, 0.0027%; no homozygotes.

Submissions (6):

Labcorp Genetics (formerly Invitae), Labcorp
Classification: Uncertain significance for Hereditary diffuse gastric adenocarcinoma. Last evaluated: 2025-10-14. Review status: criteria provided, single submitter. Criteria: Invitae Variant Classification Sherloc (09022015). Collection method: clinical testing. Allele origin: germline.
Comment: This sequence change replaces threonine, which is neutral and polar, with isoleucine, which is neutral and non-polar, at codon 623 of the CDH1 protein (p.Thr623Ile). This variant is not present in population databases (gnomAD no frequency). This variant has not been reported in the literature in individuals affected with CDH1-related conditions. ClinVar contains an entry for this variant (Variation ID: 928253). An algorithm developed to predict the effect of missense changes on protein structure and function (PolyPhen-2) suggests that this variant is likely to be disruptive. In summary, the available evidence is currently insufficient to determine the role of this variant in disease. Therefore, it has been classified as a Variant of Uncertain Significance.

Quest Diagnostics Nichols Institute San Juan Capistrano
Classification: Uncertain significance. Last evaluated: 2024-12-15. Review status: criteria provided, single submitter. Criteria: Quest Diagnostics criteria. Collection method: clinical testing. Allele origin: unknown.
Comment: The CDH1 c.1868C>T (p.Thr623Ile) variant has been reported in the published literature in reportedly healthy individuals in a case control study of individuals with biliary tract cancers (PMID: 36243179 (2022)). This variant has not been reported in large, multi-ethnic general populations (Genome Aggregation Database). Analysis of this variant using bioinformatics tools for the prediction of the effect of amino acid changes on protein structure and function yielded conflicting predictions that this variant is benign or damaging. Based on the available information, we are unable to determine the clinical significance of this variant.

Ambry Genetics
Classification: Uncertain significance for Hereditary cancer-predisposing syndrome. Last evaluated: 2024-10-11. Review status: criteria provided, single submitter. Criteria: Ambry Variant Classification Scheme 2023. Collection method: clinical testing. Allele origin: germline.
Comment: The p.T623I variant (also known as c.1868C>T), located in coding exon 12 of the CDH1 gene, results from a C to T substitution at nucleotide position 1868. The threonine at codon 623 is replaced by isoleucine, an amino acid with similar properties. This amino acid position is well conserved in available vertebrate species. In addition, the in silico prediction for this alteration is inconclusive. Based on the available evidence, the clinical significance of this variant remains unclear.

Color Diagnostics, LLC DBA Color Health
Classification: Uncertain significance for Hereditary cancer-predisposing syndrome. Last evaluated: 2024-03-06. Review status: criteria provided, single submitter. Criteria: ACMG Guidelines, 2015. Collection method: clinical testing. Allele origin: germline.
Comment: This missense variant replaces threonine with isoleucine at codon 623 of the CDH1 protein. To our knowledge, functional studies have not been reported for this variant. This variant has not been reported in individuals affected with CDH1-related disorders in the literature. This variant has not been identified in the general population by the Genome Aggregation Database (gnomAD). The available evidence is insufficient to determine the role of this variant in disease conclusively. Therefore, this variant is classified as a Variant of Uncertain Significance.

Baylor Genetics
Classification: Uncertain significance for Familial cancer of breast. Last evaluated: 2024-01-30. Review status: criteria provided, single submitter. Criteria: ACMG Guidelines, 2015. Collection method: clinical testing. Allele origin: unknown.

Sema4
Classification: Uncertain significance for Hereditary cancer-predisposing syndrome. Last evaluated: 2021-11-02. Review status: criteria provided, single submitter. Criteria: Sema4 Curation Guidelines. Collection method: curation. Allele origin: germline.
Comment: The CDH1 c.1868C>T (p.T623I) variant has not been reported in the literature to our knowledge. It was not observed in the large and broad cohorts of the Genome Aggregation Database. The variant has been reported in ClinVar (Variation ID 928253). Functional studies have not been performed, and in silico predictions of the variant's effect on protein function are inconclusive. The evidence is insufficient to meet ACMG/AMP criteria for classifying the variant as benign or pathogenic. Thus, the clinical significance of this variant is currently uncertain.

Literature cited by the submitters: PubMed 36243179 (cited by Quest Diagnostics Nichols Institute San Juan Capistrano).

NM_004360.5(CDH1):c.1868C>T (p.Thr623Ile)

Gene: CDH1 (cadherin 1; plus strand). Cytogenetic location: 16q22.1.
Variant type: single nucleotide variant.
Coding change: c.1868C>T on transcript NM_004360.5 (MANE Select); coding-DNA position 1868, C replaced by T.
Protein change: p.Thr623Ile; replaces threonine 623 with isoleucine.
Molecular consequence: missense variant. On other transcripts: 5 prime UTR variant (1).
Genome position (GRCh38, 1-based): chr16:68,822,157, C>T. VCF-style: chr16-68822157-C-T. GRCh37 (hg19) VCF-style: chr16-68856060-C-T.
Other names: c.1685C>T, p.Thr562Ile (NM_001317184.2); c.320C>T, p.Thr107Ile (NM_001317185.2); c.-98C>T (NM_001317186.2); short protein forms T562I, T623I, T107I.
Identifiers: ClinVar variation 928253 (VCV000928253.20), dbSNP rs1961165592, ClinGen allele CA396467078.